The following is an entry in ClinVar:

NM_015021.3(ZNF292):c.7185A>G (p.Ser2395=)

Gene: ZNF292 (zinc finger protein 292; plus strand). Cytogenetic location: 6q14.3.
Variant type: single nucleotide variant.
Coding change: c.7185A>G on transcript NM_015021.3 (MANE Select); coding-DNA position 7185, A replaced by G.
Protein change: p.Ser2395=; no amino-acid change (serine 2395 retained).
Molecular consequence: synonymous variant.
Genome position (GRCh38, 1-based): chr6:87,260,814, A>G. VCF-style: chr6-87260814-A-G. GRCh37 (hg19) VCF-style: chr6-87970532-A-G.
Other names: c.6765A>G, p.Ser2255= (NM_001351444.2).
Identifiers: ClinVar variation 3256981 (VCV003256981.17).

ClinVar aggregate classification (germline): Likely benign (1 of 4 stars; one submission).

gnomAD v4.1: 56 of 1,612,690 alleles (0.0035%); highest among the groups gnomAD compares: Middle Eastern, 0.23%; no homozygotes.

Submission:

CeGaT Center for Human Genetics Tuebingen
Classification: Likely benign. Last evaluated: 2024-07-01. Review status: criteria provided, single submitter. Criteria: CeGaT Center For Human Genetics Tuebingen Variant Classification Criteria Version 2. Collection method: clinical testing. Allele origin: germline. Affected: yes. Observed: 1 variant allele.
Comment: ZNF292: BP4, BP7